The following is an entry in ClinVar:

ClinVar aggregate classification (germline): Likely pathogenic (1 of 4 stars; one submission).

Submission:

GeneDx
Classification: Likely pathogenic. Last evaluated: 2023-08-30. Review status: criteria provided, single submitter. Criteria: GeneDx Variant Classification Process June 2021. Collection method: clinical testing. Allele origin: germline. Affected: yes.
Comment: Not observed at significant frequency in large population cohorts (gnomAD); In silico analysis supports that this missense variant has a deleterious effect on protein structure/function; This variant is associated with the following publications: (PMID: 27535533, 22924495)

NM_022455.5(NSD1):c.5725T>C (p.Ser1909Pro)

Gene: NSD1 (nuclear receptor binding SET domain protein 1; plus strand). Cytogenetic location: 5q35.3.
Variant type: single nucleotide variant.
Coding change: c.5725T>C on transcript NM_022455.5 (MANE Select); coding-DNA position 5725, T replaced by C.
Protein change: p.Ser1909Pro; replaces serine 1909 with proline.
Molecular consequence: missense variant.
Genome position (GRCh38, 1-based): chr5:177,280,667, T>C. VCF-style: chr5-177280667-T-C. GRCh37 (hg19) VCF-style: chr5-176707668-T-C.
Other names: c.4852T>C, p.Ser1618Pro (NM_001365684.2, NM_001409308.1, NM_001409309.1 and 1 more transcripts); c.5725T>C, p.Ser1909Pro (NM_001409301.1, NM_001409302.1, NM_001409303.1); c.5305T>C, p.Ser1769Pro (NM_001409304.1); c.4972T>C, p.Ser1658Pro (NM_001409305.1); c.4963T>C, p.Ser1655Pro (NM_001409306.1, NM_001409307.1); short protein forms S1618P, S1655P, S1658P, S1769P, S1909P.
Identifiers: ClinVar variation 2578222 (VCV002578222.1), dbSNP rs2480779488, ClinGen allele CA362312807.